The following is an entry in ClinVar:

ClinVar aggregate classification (germline): Uncertain significance (1 of 4 stars; one submission).

Submission:

CeGaT Center for Human Genetics Tuebingen
Classification: Uncertain significance. Last evaluated: 2023-05-01. Review status: criteria provided, single submitter. Criteria: CeGaT Center For Human Genetics Tuebingen Variant Classification Criteria Version 2. Collection method: clinical testing. Allele origin: germline. Affected: yes. Observed: 1 variant allele.
Comment: POLG: PM2, PS2:Supporting

NM_002693.3(POLG):c.3677T>A (p.Leu1226His)

Genes: FANCI (FA complementation group I; plus strand), POLG (DNA polymerase gamma, catalytic subunit; minus strand). Cytogenetic location: 15q26.1.
Variant type: single nucleotide variant.
Coding change: c.3677T>A on transcript NM_002693.3 (MANE Select); coding-DNA position 3677, T replaced by A.
Protein change: p.Leu1226His; replaces leucine 1226 with histidine.
Molecular consequence: missense variant. On other transcripts: 3 prime UTR variant (4).
Genome position (GRCh38, 1-based): chr15:89,316,794, A>T on the plus strand (T>A on the coding strand, the complement: POLG is on the minus strand). VCF-style: chr15-89316794-A-T. GRCh37 (hg19) VCF-style: chr15-89860025-A-T.
Other names: c.3677T>A, p.Leu1226His (NM_001126131.2); c.*335A>T (NM_001113378.2, NM_001376910.1, NM_001376911.1 and 1 more transcripts); short protein forms L1226H.
Identifiers: ClinVar variation 2570908 (VCV002570908.27), dbSNP rs2509156808, ClinGen allele CA393746933.
Genomic context (GRCh38, chr15:89,316,794, plus strand): 5'-AGAGCCTCCAGGCAGTGCTATGGTCCAGGCTGGCTTCGTTTTTCCAAGGAGCCTTTGGTG[A>T]GTTCAATTATCTGGTAAATATCCAGCGCTTCACCTGAAAGATAGTGCAAATTGGTTAGGA-3'
Protein context (NP_002684.1, residues 1216-1236): EALDIYQIIE[Leu1226His]TKGSLEKRSQ